The following is an entry in ClinVar:

ClinVar aggregate classification (germline): Uncertain significance (1 of 4 stars; one submission).

Conditions:
Neuropathy, hereditary sensory, type 2C. Also called: Hereditary sensory and autonomic neuropathy type IIC; KIF1A-Related HSAN2 (HSAN2C). Identifiers: Orphanet 970, MedGen C3280168, MONDO:0013634, OMIM 614213.
Intellectual disability, autosomal dominant 9 (NESCAVS). Also called: KIF1A-Related Neurodevelopmental Disorder; NESCAV SYNDROME. Identifiers: Orphanet 662367, MedGen C5393830, MONDO:0013656, OMIM 614255.
Hereditary spastic paraplegia 30. Identifiers: Orphanet 101010, MedGen C5235139, MONDO:0012476.

Allele frequency attached by ClinVar (database versions not stated): gnomAD 0.00001; TOPMed below 0.00001.
gnomAD v4.1: 1 of 1,611,436 alleles (0.000062%); highest among the groups gnomAD compares: Non-Finnish European, 0.000085%; no homozygotes.

Submission:

Labcorp Genetics (formerly Invitae), Labcorp
Classification: Uncertain significance for Hereditary spastic paraplegia 30; Neuropathy, hereditary sensory, type 2C; Intellectual disability, autosomal dominant 9. Last evaluated: 2023-05-27. Review status: criteria provided, single submitter. Criteria: Invitae Variant Classification Sherloc (09022015). Collection method: clinical testing. Allele origin: germline.
Comment: In summary, the available evidence is currently insufficient to determine the role of this variant in disease. Therefore, it has been classified as a Variant of Uncertain Significance. Advanced modeling of protein sequence and biophysical properties (such as structural, functional, and spatial information, amino acid conservation, physicochemical variation, residue mobility, and thermodynamic stability) performed at Invitae indicates that this missense variant is not expected to disrupt KIF1A protein function. ClinVar contains an entry for this variant (Variation ID: 957210). This missense change has been observed in individual(s) with clinical features of hereditary spastic paraplegia (Invitae). This variant is not present in population databases (gnomAD no frequency). This sequence change replaces serine, which is neutral and polar, with proline, which is neutral and non-polar, at codon 1110 of the KIF1A protein (p.Ser1110Pro).

NM_001244008.2(KIF1A):c.3631T>C (p.Ser1211Pro)

Gene: KIF1A (kinesin family member 1A; minus strand). Cytogenetic location: 2q37.3.
Variant type: single nucleotide variant.
Coding change: c.3631T>C on transcript NM_001244008.2 (MANE Select); coding-DNA position 3631, T replaced by C.
Protein change: p.Ser1211Pro; replaces serine 1211 with proline.
Molecular consequence: missense variant.
Genome position (GRCh38, 1-based): chr2:240,742,938, A>G on the plus strand (T>C on the coding strand, the complement: KIF1A is on the minus strand). VCF-style: chr2-240742938-A-G. GRCh37 (hg19) VCF-style: chr2-241682355-A-G.
Other names: c.3355T>C, p.Ser1119Pro (NM_001320705.2, NM_001330289.2, NM_001379638.1); c.3430T>C, p.Ser1144Pro (NM_001330290.2, NM_001379634.1, NM_001379635.1 and 1 more transcripts); c.3706T>C, p.Ser1236Pro (NM_001379631.1); c.3580T>C, p.Ser1194Pro (NM_001379632.1); c.3604T>C, p.Ser1202Pro (NM_001379633.1, NM_001379642.1, NM_001379645.1); c.3328T>C, p.Ser1110Pro (NM_001379636.1, NM_001379639.1, NM_001379641.1 and 5 more transcripts); c.3403T>C, p.Ser1135Pro (NM_001379637.1, NM_001379648.1); c.3325T>C, p.Ser1109Pro (NM_001379640.1); short protein forms S1110P, S1144P, S1236P, S1109P, S1135P, S1211P, S1119P, S1194P.
Identifiers: ClinVar variation 957210 (VCV000957210.10), dbSNP rs2048162809, ClinGen allele CA351316377.